The following is an entry in ClinVar:

NM_003801.4(GPAA1):c.593C>T (p.Ala198Val)

Gene: GPAA1 (glycosylphosphatidylinositol anchor attachment 1; plus strand). Cytogenetic location: 8q24.3.
Variant type: single nucleotide variant.
Coding change: c.593C>T on transcript NM_003801.4 (MANE Select); coding-DNA position 593, C replaced by T.
Protein change: p.Ala198Val; replaces alanine 198 with valine.
Molecular consequence: missense variant.
Genome position (GRCh38, 1-based): chr8:144,084,017, C>T. VCF-style: chr8-144084017-C-T. GRCh37 (hg19) VCF-style: chr8-145138920-C-T.
Other names: short protein forms A198V.
Identifiers: ClinVar variation 1416975 (VCV001416975.5), dbSNP rs782064963, ClinGen allele CA4932863.

ClinVar aggregate classification (germline): Uncertain significance (1 of 4 stars; one submission).

Allele frequency attached by ClinVar (database versions not stated): ExAC 0.00004; gnomAD exomes 0.00004.

Submission:

Labcorp Genetics (formerly Invitae), Labcorp
Classification: Uncertain significance. Last evaluated: 2021-08-28. Review status: criteria provided, single submitter. Criteria: Invitae Variant Classification Sherloc (09022015). Collection method: clinical testing. Allele origin: germline.
Comment: This sequence change replaces alanine with valine at codon 198 of the GPAA1 protein (p.Ala198Val). The alanine residue is moderately conserved and there is a small physicochemical difference between alanine and valine. This variant is present in population databases (rs782064963, ExAC 0.02%). This variant has not been reported in the literature in individuals affected with GPAA1-related conditions. Algorithms developed to predict the effect of missense changes on protein structure and function are either unavailable or do not agree on the potential impact of this missense change (SIFT: "Deleterious"; PolyPhen-2: "Probably Damaging"; Align-GVGD: "Class C0"). In summary, the available evidence is currently insufficient to determine the role of this variant in disease. Therefore, it has been classified as a Variant of Uncertain Significance.